The following is an entry in ClinVar:

NM_000541.5(SAG):c.257A>G (p.Asp86Gly)

Gene: SAG (S-antigen visual arrestin; plus strand). Cytogenetic location: 2q37.1.
Variant type: single nucleotide variant.
Coding change: c.257A>G on transcript NM_000541.5 (MANE Select); coding-DNA position 257, A replaced by G.
Protein change: p.Asp86Gly; replaces aspartic acid 86 with glycine.
Molecular consequence: missense variant.
Genome position (GRCh38, 1-based): chr2:233,320,705, A>G. VCF-style: chr2-233320705-A-G. GRCh37 (hg19) VCF-style: chr2-234229351-A-G.
Other names: short protein forms D86G.
Identifiers: ClinVar variation 2004783 (VCV002004783.4), dbSNP rs1574934315, ClinGen allele CA351046367.

ClinVar aggregate classification (germline): Uncertain significance (1 of 4 stars; one submission).

Submission:

Labcorp Genetics (formerly Invitae), Labcorp
Classification: Uncertain significance. Last evaluated: 2023-05-15. Review status: criteria provided, single submitter. Criteria: Invitae Variant Classification Sherloc (09022015). Collection method: clinical testing. Allele origin: germline.
Comment: Advanced modeling of protein sequence and biophysical properties (such as structural, functional, and spatial information, amino acid conservation, physicochemical variation, residue mobility, and thermodynamic stability) performed at Invitae indicates that this missense variant is expected to disrupt SAG protein function. In summary, the available evidence is currently insufficient to determine the role of this variant in disease. Therefore, it has been classified as a Variant of Uncertain Significance. ClinVar contains an entry for this variant (Variation ID: 2004783). This variant has not been reported in the literature in individuals affected with SAG-related conditions. This variant is not present in population databases (gnomAD no frequency). This sequence change replaces aspartic acid, which is acidic and polar, with glycine, which is neutral and non-polar, at codon 86 of the SAG protein (p.Asp86Gly).